The following is an entry in ClinVar:

NM_144991.3(TSPEAR):c.668C>T (p.Ser223Leu)

Gene: TSPEAR (thrombospondin type laminin G domain and EAR repeats; minus strand). Cytogenetic location: 21q22.3.
Variant type: single nucleotide variant.
Coding change: c.668C>T on transcript NM_144991.3 (MANE Select); coding-DNA position 668, C replaced by T.
Protein change: p.Ser223Leu; replaces serine 223 with leucine.
Molecular consequence: missense variant.
Genome position (GRCh38, 1-based): chr21:44,529,920, G>A on the plus strand (C>T on the coding strand, the complement: TSPEAR is on the minus strand). VCF-style: chr21-44529920-G-A. GRCh37 (hg19) VCF-style: chr21-45949803-G-A.
Other names: c.464C>T, p.Ser155Leu (NM_001272037.2); short protein forms S155L, S223L.
Identifiers: ClinVar variation 684168 (VCV000684168.40), dbSNP rs149481227, ClinGen allele CA10056893.
Genomic context (GRCh38, chr21:44,529,920, plus strand): 5'-GGGATGGACAGCACCGCCAGCGGGGCGTTCCTGCTGGGACACAGCCTTGGGGTGGCGTCT[G>A]AGCCCGGCAGCAGGACCAGTTGCCTCACCAGTCCCTGCAGAGAGAGGGACAGCTCCTTCA-3'
Protein context (NP_659428.2, residues 213-233): LVRQLVLLPG[Ser223Leu]DATPRLCPSR

ClinVar aggregate classification (germline): Conflicting classifications of pathogenicity. Review status: criteria provided, conflicting classifications (1 of 4 stars). 5 submissions from 5 submitters: Uncertain significance (1); Benign (1); Likely benign (3). Last evaluated 2026-09-01.

Allele frequency attached by ClinVar (database versions not stated): ESP Exome Variant Server 0.00038; gnomAD 0.00053 and 0.00054; gnomAD exomes 0.00065 and 0.00077; TOPMed 0.00073; 1000 Genomes Project 30x 0.00078; ExAC 0.00079; 1000 Genomes Project 0.00080.
gnomAD v4.1: 1,082 of 1,609,514 alleles (0.067%); highest among the groups gnomAD compares: Middle Eastern, 2.3%; 7 homozygotes.

Submissions (5):

CeGaT Center for Human Genetics Tuebingen
Classification: Likely benign. Last evaluated: 2026-09-01. Review status: criteria provided, single submitter. Criteria: CeGaT Center For Human Genetics Tuebingen Variant Classification Criteria Version 2. Collection method: clinical testing. Allele origin: germline. Affected: yes. Observed: 4 variant alleles.
Comment: TSPEAR: BS2

Labcorp Genetics (formerly Invitae), Labcorp
Classification: Likely benign. Last evaluated: 2025-11-10. Review status: criteria provided, single submitter. Criteria: Invitae Variant Classification Sherloc (09022015). Collection method: clinical testing. Allele origin: germline.

Blueprint Genetics
Classification: Likely benign. Last evaluated: 2024-10-14. Review status: criteria provided, single submitter. Criteria: ACMG Guidelines, 2015. Collection method: clinical testing. Allele origin: germline.

Athena Diagnostics
Classification: Uncertain significance. Last evaluated: 2019-07-26. Review status: criteria provided, single submitter. Criteria: Athena Diagnostics Criteria. Collection method: clinical testing. Allele origin: germline.

GeneDx
Classification: Benign. Last evaluated: 2018-06-18. Review status: criteria provided, single submitter. Criteria: GeneDx Variant Classification (06012015). Collection method: clinical testing. Allele origin: germline. Affected: yes.
Comment: This variant is considered likely benign or benign based on one or more of the following criteria: it is a conservative change, it occurs at a poorly conserved position in the protein, it is predicted to be benign by multiple in silico algorithms, and/or has population frequency not consistent with disease.